The following is an entry in ClinVar:

ClinVar aggregate classification (germline): Uncertain significance (1 of 4 stars; one submission).

Submission:

GeneDx
Classification: Uncertain significance. Last evaluated: 2025-10-17. Review status: criteria provided, single submitter. Criteria: GeneDx Variant Classification Process June 2021. Collection method: clinical testing. Allele origin: germline.
Comment: Not observed at significant frequency in large population cohorts (gnomAD); In silico analysis supports that this missense variant has a deleterious effect on protein structure/function; Has not been previously published as pathogenic or benign to our knowledge

NM_000186.4(CFH):c.2966G>A (p.Cys989Tyr)

Gene: CFH (complement factor H; plus strand). Cytogenetic location: 1q31.3.
Variant type: single nucleotide variant.
Coding change: c.2966G>A on transcript NM_000186.4 (MANE Select); coding-DNA position 2966, G replaced by A.
Protein change: p.Cys989Tyr; replaces cysteine 989 with tyrosine.
Molecular consequence: missense variant.
Genome position (GRCh38, 1-based): chr1:196,741,884, G>A. VCF-style: chr1-196741884-G-A. GRCh37 (hg19) VCF-style: chr1-196711014-G-A.
Other names: short protein forms C989Y.
Identifiers: ClinVar variation 3252853 (VCV003252853.2), dbSNP rs2529544832.